The following is an entry in ClinVar:

NC_000016.9:g.(?_89167070)_(89187341_?)dup

Gene: ACSF3 (acyl-CoA synthetase family member 3; plus strand). Cytogenetic location: 16q24.3.
Variant type: Duplication.
Identifiers: ClinVar variation 1056382 (VCV001056382.1).

ClinVar aggregate classification (germline): Uncertain significance (1 of 4 stars; one submission).

Conditions:
Combined malonic and methylmalonic acidemia. Identifiers: Orphanet 289504, MedGen C3280314, MONDO:0013661, OMIM 614265.

Submission:

Labcorp Genetics (formerly Invitae), Labcorp
Classification: Uncertain significance for Combined malonic and methylmalonic acidemia. Last evaluated: 2020-09-08. Review status: criteria provided, single submitter. Criteria: Invitae Variant Classification Sherloc (09022015). Collection method: clinical testing. Allele origin: germline.
Comment: This variant results in a copy number gain of the genomic region encompassing exon(s) 3-7 of the ACSF3 gene, which includes the initiator codon. The 5' end of this event is unknown as it extends beyond the assayed region for this gene and therefore may encompass additional genes. The 3' boundary is likely confined to intron 7 of the ACSF3 gene. As the precise location of this event is unknown, it may be in tandem or it may be located elsewhere in the genome. This variant has not been reported in the literature in individuals with ACSF3-related conditions. In summary, the available evidence is currently insufficient to determine the role of this variant in disease. Therefore, it has been classified as a Variant of Uncertain Significance.